The following is an entry in ClinVar:

NM_005431.2(XRCC2):c.802C>T (p.His268Tyr)

Gene: XRCC2 (X-ray repair cross complementing 2; minus strand). Cytogenetic location: 7q36.1.
Variant type: single nucleotide variant.
Coding change: c.802C>T on transcript NM_005431.2 (MANE Select); coding-DNA position 802, C replaced by T.
Protein change: p.His268Tyr; replaces histidine 268 with tyrosine.
Molecular consequence: missense variant.
Genome position (GRCh38, 1-based): chr7:152,648,683, G>A on the plus strand (C>T on the coding strand, the complement: XRCC2 is on the minus strand). VCF-style: chr7-152648683-G-A. GRCh37 (hg19) VCF-style: chr7-152345768-G-A.
Other names: short protein forms H268Y.
Identifiers: ClinVar variation 1761727 (VCV001761727.3), dbSNP rs2485880212, ClinGen allele CA370197904.

ClinVar aggregate classification (germline): Uncertain significance (1 of 4 stars; one submission).

Conditions:
Hereditary cancer-predisposing syndrome. Also called: Neoplastic Syndromes, Hereditary; Tumor predisposition; Hereditary Cancer Syndrome; Hereditary neoplastic syndrome. Identifiers: Orphanet 140162, MedGen C0027672, MeSH D009386, MONDO:0015356.

Submission:

Ambry Genetics
Classification: Uncertain significance for Hereditary cancer-predisposing syndrome. Last evaluated: 2025-05-02. Review status: criteria provided, single submitter. Criteria: Ambry Variant Classification Scheme 2023. Collection method: clinical testing. Allele origin: germline.
Comment: The p.H268Y variant (also known as c.802C>T), located in coding exon 3 of the XRCC2 gene, results from a C to T substitution at nucleotide position 802. The histidine at codon 268 is replaced by tyrosine, an amino acid with similar properties. This amino acid position is conserved. In addition, this alteration is predicted to be tolerated by in silico analysis. Since supporting evidence is limited at this time, the clinical significance of this alteration remains unclear.